The following is an entry in ClinVar:

NM_153700.2(STRC):c.770G>T (p.Arg257Leu)

Gene: STRC (stereocilin; minus strand). Cytogenetic location: 15q15.3.
Variant type: single nucleotide variant.
Coding change: c.770G>T on transcript NM_153700.2 (MANE Select); coding-DNA position 770, G replaced by T.
Protein change: p.Arg257Leu; replaces arginine 257 with leucine.
Molecular consequence: missense variant.
Genome position (GRCh38, 1-based): chr15:43,617,651, C>A on the plus strand (G>T on the coding strand, the complement: STRC is on the minus strand). VCF-style: chr15-43617651-C-A. GRCh37 (hg19) VCF-style: chr15-43909849-C-A.
Other names: short protein forms R257L.
Identifiers: ClinVar variation 3352735 (VCV003352735.2).

ClinVar aggregate classification (germline): Uncertain significance (1 of 4 stars; one submission).

Conditions:
STRC-related disorder. Also called: STRC-related condition.

Submission:

PreventionGenetics, part of Exact Sciences
Classification: Uncertain significance for STRC-related condition. Last evaluated: 2026-09-09. Review status: criteria provided, single submitter. Criteria: ACMG Guidelines, 2015. Collection method: clinical testing. Allele origin: germline.
Comment: The STRC c.770G>T variant is predicted to result in the amino acid substitution p.Arg257Leu. To our knowledge, this variant has not been reported in the literature. This variant is reported in 0.029% of alleles in individuals of African descent in gnomAD. An alternative variant at the same codon, p.Arg257His, has been observed in a individual with hearing loss (Table S2, Francey et al. 2012. PubMed ID: 22147502). At this time, the clinical significance of the p.Arg257Leu variant is uncertain due to the absence of conclusive functional and genetic evidence.